The following is an entry in ClinVar:

NM_001377137.1(GBF1):c.218G>T (p.Arg73Leu)

Gene: GBF1 (golgi brefeldin A resistant guanine nucleotide exchange factor 1; plus strand). Cytogenetic location: 10q24.32.
Variant type: single nucleotide variant.
Coding change: c.218G>T on transcript NM_001377137.1 (MANE Select); coding-DNA position 218, G replaced by T.
Protein change: p.Arg73Leu; replaces arginine 73 with leucine.
Molecular consequence: missense variant. On other transcripts: non-coding transcript variant (5).
Genome position (GRCh38, 1-based): chr10:102,344,105, G>T. VCF-style: chr10-102344105-G-T. GRCh37 (hg19) VCF-style: chr10-104103862-G-T.
Other names: c.218G>T, p.Arg73Leu (NM_001199378.2, NM_001199379.2, NM_001377138.1 and 14 more transcripts); short protein forms R73L.
Identifiers: ClinVar variation 1479586 (VCV001479586.6), dbSNP rs750164321, ClinGen allele CA212361063.
Genomic context (GRCh38, chr10:102,344,105, plus strand): 5'-TTGCAGAACTCTCAGAAATTGAGCCCAATGTATTCCTTCGACCTTTTCTGGAAGTGATTC[G>T]CTCTGAAGATACCACTGGCCCTATCACTGGACTGGCACTCACCTCTGTCAACAAGTTCCT-3'
Protein context (NP_001364066.1, residues 63-83): VFLRPFLEVI[Arg73Leu]SEDTTGPITG

ClinVar aggregate classification (germline): Uncertain significance (1 of 4 stars; one submission).

Allele frequency attached by ClinVar (database versions not stated): TOPMed below 0.00001.
gnomAD v4.1: 2 of 1,611,544 alleles (0.00012%); highest among the groups gnomAD compares: African/African-American, 0.0013%; no homozygotes.

Submission:

Labcorp Genetics (formerly Invitae), Labcorp
Classification: Uncertain significance. Last evaluated: 2022-03-02. Review status: criteria provided, single submitter. Criteria: Invitae Variant Classification Sherloc (09022015). Collection method: clinical testing. Allele origin: germline.
Comment: This variant is not present in population databases (gnomAD no frequency). In summary, the available evidence is currently insufficient to determine the role of this variant in disease. Therefore, it has been classified as a Variant of Uncertain Significance. Algorithms developed to predict the effect of missense changes on protein structure and function are either unavailable or do not agree on the potential impact of this missense change (SIFT: "Deleterious"; PolyPhen-2: "Probably Damaging"; Align-GVGD: "Class C0"). This variant has not been reported in the literature in individuals affected with GBF1-related conditions. This sequence change replaces arginine, which is basic and polar, with leucine, which is neutral and non-polar, at codon 73 of the GBF1 protein (p.Arg73Leu).